The following is an entry in ClinVar:

NM_004341.5(CAD):c.6045dup (p.Cys2016fs)

Gene: CAD (carbamoyl-phosphate synthetase 2, aspartate transcarbamylase, and dihydroorotase; plus strand). Cytogenetic location: 2p23.3.
Variant type: Duplication.
Coding change: c.6045dup on transcript NM_004341.5 (MANE Select); coding-DNA position 6045, one base duplicated (C; older notation c.6045dupC).
Protein change: p.Cys2016fs; shifts the reading frame from cysteine 2016.
Molecular consequence: frameshift variant.
Genome position (GRCh38, 1-based): chr2:27,242,072, C duplicated. VCF-style (leftmost placement, unchanged base first): chr2-27242071-G-GC. GRCh37 (hg19) VCF-style: chr2-27464939-G-GC.
Other names: c.5856dup, p.Cys1953fs (NM_001306079.2); short protein forms C1953fs, C2016fs.
Identifiers: ClinVar variation 2862996 (VCV002862996.3), dbSNP rs2465367500, ClinGen allele CA2739274243.
Genomic context (GRCh38, chr2:27,242,071, plus strand): 5'-CGGAAGCCACATCGTCCGTCCAGAAGGGCGAATCCCTGGCTGACTCCGTGCAGACCATGA[G>GC]CTGCTATGCCGACGTCGTCGTGCTCCGGCACCCCCAGCCTGGAGCAGTGGAGGTGAGGCC-3'

ClinVar aggregate classification (germline): Pathogenic (1 of 4 stars; one submission).

Submission:

Labcorp Genetics (formerly Invitae), Labcorp
Classification: Pathogenic. Last evaluated: 2023-05-11. Review status: criteria provided, single submitter. Criteria: Invitae Variant Classification Sherloc (09022015). Collection method: clinical testing. Allele origin: germline.
Comment: For these reasons, this variant has been classified as Pathogenic. This variant has not been reported in the literature in individuals affected with CAD-related conditions. This variant is not present in population databases (gnomAD no frequency). This sequence change creates a premature translational stop signal (p.Cys2016Leufs*50) in the CAD gene. It is expected to result in an absent or disrupted protein product. Loss-of-function variants in CAD are known to be pathogenic (PMID: 28007989, 32117025, 32820246, 33497533).

Literature cited by the submitters: PubMed 28007989; PubMed 32117025; PubMed 32820246; PubMed 33497533.